The following is an entry in ClinVar:

ClinVar aggregate classification (germline): Uncertain significance (1 of 4 stars; one submission).

Submission:

GeneDx
Classification: Uncertain significance. Last evaluated: 2025-05-13. Review status: criteria provided, single submitter. Criteria: GeneDx Variant Classification Process June 2021. Collection method: clinical testing. Allele origin: germline. Affected: yes.
Comment: Not observed at significant frequency in large population cohorts (gnomAD); In silico analysis supports that this missense variant has a deleterious effect on protein structure/function; Has not been previously published as pathogenic or benign to our knowledge

NM_001282597.3(CTNNA2):c.1742T>G (p.Val581Gly)

Gene: CTNNA2 (catenin alpha 2; plus strand). Cytogenetic location: 2p12.
Variant type: single nucleotide variant.
Coding change: c.1742T>G on transcript NM_001282597.3 (MANE Select); coding-DNA position 1742, T replaced by G.
Protein change: p.Val581Gly; replaces valine 581 with glycine.
Molecular consequence: missense variant.
Genome position (GRCh38, 1-based): chr2:80,574,163, T>G. VCF-style: chr2-80574163-T-G. GRCh37 (hg19) VCF-style: chr2-80801288-T-G.
Other names: c.1742T>G, p.Val581Gly (NM_001164883.2, NM_001399737.1, NM_004389.4); c.1844T>G, p.Val615Gly (NM_001282598.2); c.779T>G, p.Val260Gly (NM_001282599.2); c.638T>G, p.Val213Gly (NM_001282600.2, NM_001320810.2); short protein forms V213G, V260G, V581G, V615G.
Identifiers: ClinVar variation 4529547 (VCV004529547.1).